The following is an entry in ClinVar:

NM_001035.3(RYR2):c.6052G>A (p.Asp2018Asn)

Gene: RYR2 (ryanodine receptor 2; plus strand). Cytogenetic location: 1q43.
Variant type: single nucleotide variant.
Coding change: c.6052G>A on transcript NM_001035.3 (MANE Select); coding-DNA position 6052, G replaced by A.
Protein change: p.Asp2018Asn; replaces aspartic acid 2018 with asparagine.
Molecular consequence: missense variant.
Genome position (GRCh38, 1-based): chr1:237,625,690, G>A. VCF-style: chr1-237625690-G-A. GRCh37 (hg19) VCF-style: chr1-237788990-G-A.
Other names: short protein forms D2018N.
Identifiers: ClinVar variation 925007 (VCV000925007.5), dbSNP rs763907565, ClinGen allele CA087040.

ClinVar aggregate classification (germline): Uncertain significance (1 of 4 stars; one submission).

Conditions:
Cardiomyopathy (CMYO). Also called: Cardiomyopathies. Identifiers: Orphanet 167848, MedGen C0878544, MONDO:0004994, HP:0001638. Inheritance: Various modes of inheritance.

Allele frequency attached by ClinVar (database versions not stated): gnomAD exomes below 0.00001 and 0.00001; ExAC 0.00002.
gnomAD v4.1: 2 of 1,613,686 alleles (0.00012%); highest among the groups gnomAD compares: South Asian, 0.0011%; no homozygotes.

Submission:

Color Diagnostics, LLC DBA Color Health
Classification: Uncertain significance for Cardiomyopathy. Last evaluated: 2023-12-04. Review status: criteria provided, single submitter. Criteria: ACMG Guidelines, 2015. Collection method: clinical testing. Allele origin: germline.
Comment: Variant of Uncertain Significance due to insufficient evidence: This missense variant is located in the cytoplasmic domain of the RYR2 protein. Computational prediction tools and conservation analyses are inconclusive regarding the impact of this variant on the protein function. Computational splicing tools suggest that this variant may not impact RNA splicing. To our knowledge, functional assays have not been performed for this variant nor has this variant been reported in individuals affected with cardiovascular disorders in the literature. This variant has been identified in 2/246000 chromosomes in the general population by the Genome Aggregation Database (gnomAD). Available evidence is insufficient to determine the pathogenicity of this variant conclusively.